The following is an entry in ClinVar:

ClinVar aggregate classification (germline): not provided (0 of 4 stars; one submission).

Conditions:
Preeclampsia. Identifiers: Orphanet 275555, MedGen C0032914, MONDO:0005081, HP:0100602.

Submission:

Institute of Molecular and Cell Biology, University of Tartu
No classification provided. Condition: Preeclampsia. Review status: no classification provided. Collection method: case-control. Allele origin: unknown. Affected: yes. Study: Kasak2014.
Comment: The study aimed to determine the contribution of copy number variants in the genetic etiology of normal and complicated pregnancies. The samples represented (i) maternal blood DNA drawn from healthy pregnant women during 1st or 2nd trimester and (ii) maternal and paternal blood DNA drawn at term pregnancy cases representing normal and complicated gestations (severe preeclampsia, PE; gestational diabetes, GD; small-for-gestational age newborn, SGA; large-for-gestational age newborn, LGA). We performed CNV calling based on genome-wide genotyping dataset (Illumina HumanOmniExpress-24-v1 BeadChip) by applying three algorithms, QuantiSNP, GADA (Genome Alteration Detection Algorithm) and CNstream in parallel. The acquired CNV calls were merged with HD-CNV (Hotspot Detector for Copy Number Variants) program and only the CNVs predicted by at least two programs, were considered in subsequent analysis.

Literature cited by the submitters: PubMed 25666259.

Single allele

Variant type: Deletion.
Identifiers: ClinVar variation 157018 (VCV000157018.2).